The following is an entry in ClinVar:

NM_001393586.1(MYO7B):c.5373C>T (p.Pro1791=)

Gene: MYO7B (myosin VIIB; plus strand). Cytogenetic location: 2q14.3.
Variant type: single nucleotide variant.
Coding change: c.5373C>T on transcript NM_001393586.1 (MANE Select); coding-DNA position 5373, C replaced by T.
Protein change: p.Pro1791=; no amino-acid change (proline 1791 retained).
Molecular consequence: synonymous variant.
Genome position (GRCh38, 1-based): chr2:127,632,369, C>T. VCF-style: chr2-127632369-C-T. GRCh37 (hg19) VCF-style: chr2-128389944-C-T.
Other names: c.5295C>T, p.Pro1765= (NM_001080527.2); c.1854C>T, p.Pro618= (NM_001393594.1); c.5295C>T (NM_001080527.1).
Identifiers: ClinVar variation 2651336 (VCV002651336.25), dbSNP rs552512821, ClinGen allele CA1862247.

ClinVar aggregate classification (germline): Likely benign. Review status: criteria provided, single submitter (1 of 4 stars). 2 submissions from 2 submitters: Likely benign (1). 1 of the submissions does not count toward it. Last evaluated 2022-03-01.

Conditions:
MYO7B-related disorder. Also called: MYO7B-related condition.

Allele frequency attached by ClinVar (database versions not stated): TOPMed 0.00010; gnomAD 0.00015; gnomAD exomes 0.00019; ExAC 0.00046; 1000 Genomes Project 0.00080; 1000 Genomes Project 30x 0.00094.
gnomAD v4.1: 284 of 1,582,650 alleles (0.018%); highest among the groups gnomAD compares: South Asian, 0.25%; 2 homozygotes.

Submissions (2):

CeGaT Center for Human Genetics Tuebingen
Classification: Likely benign. Last evaluated: 2022-03-01. Review status: criteria provided, single submitter. Criteria: CeGaT Center For Human Genetics Tuebingen Variant Classification Criteria Version 2. Collection method: clinical testing. Allele origin: germline. Affected: yes. Observed: 1 variant allele.
Comment: MYO7B: BP4, BP7

PreventionGenetics, part of Exact Sciences
Classification: Likely benign for MYO7B-related condition. Last evaluated: 2019-02-21. Review status: no assertion criteria provided. Collection method: clinical testing. Allele origin: germline. Not counted in ClinVar's aggregate classification.
Comment: This variant is classified as likely benign based on ACMG/AMP sequence variant interpretation guidelines (Richards et al. 2015 PMID: 25741868, with internal and published modifications).